The following is an entry in ClinVar:

ClinVar aggregate classification (germline): Uncertain significance (1 of 4 stars; one submission).

Conditions:
Inborn genetic diseases. Identifiers: MedGen C0950123, MeSH D030342.

Submission:

Ambry Genetics
Classification: Uncertain significance for Inborn genetic diseases. Last evaluated: 2023-04-22. Review status: criteria provided, single submitter. Criteria: Ambry Variant Classification Scheme 2023. Collection method: clinical testing. Allele origin: germline.
Comment: The p.L119F variant (also known as c.355C>T), located in coding exon 4 of the LRRK2 gene, results from a C to T substitution at nucleotide position 355. The leucine at codon 119 is replaced by phenylalanine, an amino acid with highly similar properties. This amino acid position is conserved. In addition, this alteration is predicted to be tolerated by in silico analysis. Since supporting evidence is limited at this time, the clinical significance of this alteration remains unclear.

NM_198578.4(LRRK2):c.355C>T (p.Leu119Phe)

Gene: LRRK2 (leucine rich repeat kinase 2; plus strand). Cytogenetic location: 12q12.
Variant type: single nucleotide variant.
Coding change: c.355C>T on transcript NM_198578.4 (MANE Select); coding-DNA position 355, C replaced by T.
Protein change: p.Leu119Phe; replaces leucine 119 with phenylalanine.
Molecular consequence: missense variant.
Genome position (GRCh38, 1-based): chr12:40,235,633, C>T. VCF-style: chr12-40235633-C-T. GRCh37 (hg19) VCF-style: chr12-40629435-C-T.
Other names: short protein forms L119F.
Identifiers: ClinVar variation 2567368 (VCV002567368.2), dbSNP rs2499402810, ClinGen allele CA384402624.